The following is an entry in ClinVar:

NM_002906.4(RDX):c.1341C>A (p.His447Gln)

Gene: RDX (radixin; minus strand). Cytogenetic location: 11q22.3.
Variant type: single nucleotide variant.
Coding change: c.1341C>A on transcript NM_002906.4 (MANE Select); coding-DNA position 1341, C replaced by A.
Protein change: p.His447Gln; replaces histidine 447 with glutamine.
Molecular consequence: missense variant. On other transcripts: intron variant (1).
Genome position (GRCh38, 1-based): chr11:110,236,102, G>T on the plus strand (C>A on the coding strand, the complement: RDX is on the minus strand). VCF-style: chr11-110236102-G-T. GRCh37 (hg19) VCF-style: chr11-110106827-G-T.
Other names: c.1341C>A, p.His447Gln (NM_001260492.2, NM_001260493.2); c.933C>A, p.His311Gln (NM_001260494.2); c.300C>A, p.His100Gln (NM_001260495.2); c.405-4098C>A (NM_001260496.2); short protein forms H447Q, H311Q, H100Q.
Identifiers: ClinVar variation 165052 (VCV000165052.5), dbSNP rs727503393, ClinGen allele CA177716.

ClinVar aggregate classification (germline): Likely benign (1 of 4 stars; one submission).

Allele frequency attached by ClinVar (database versions not stated): gnomAD exomes below 0.00001; TOPMed 0.00001.
gnomAD v4.1: 2 of 1,605,180 alleles (0.00012%); highest among the groups gnomAD compares: Non-Finnish European, 0.00017%; no homozygotes.

Submission:

Laboratory for Molecular Medicine, Mass General Brigham Personalized Medicine
Classification: Likely benign. Last evaluated: 2014-07-17. Review status: criteria provided, single submitter. Criteria: LMM Criteria. Collection method: clinical testing. Allele origin: germline. Observed: 1 variant allele.
Comment: His447Gln in exon 12 of RDX: This variant is not expected to have clinical signi ficance due to a lack of conservation across species, including mammals. Of note , several bat species as well as other distant species have a glutamine (Gln) at this position, suggesting that this change can be tolerated. In addition, compu tational prediction tools suggest that the His447Gln variant may not impact the protein.